The following is an entry in ClinVar:

NM_001035.3(RYR2):c.14881C>T (p.Gln4961Ter)

Gene: RYR2 (ryanodine receptor 2; plus strand). Cytogenetic location: 1q43.
Variant type: single nucleotide variant.
Coding change: c.14881C>T on transcript NM_001035.3 (MANE Select); coding-DNA position 14881, C replaced by T.
Protein change: p.Gln4961Ter; replaces glutamine 4961 with a stop codon.
Molecular consequence: nonsense.
Genome position (GRCh38, 1-based): chr1:237,832,624, C>T. VCF-style: chr1-237832624-C-T. GRCh37 (hg19) VCF-style: chr1-237995924-C-T.
Other names: c.14881C>T, p.Gln4961Ter (LRG_402t1); short protein forms Q4961*.
Identifiers: ClinVar variation 657882 (VCV000657882.10), dbSNP rs1574134528, ClinGen allele CA345411057.

ClinVar aggregate classification (germline): Uncertain significance (1 of 4 stars; one submission).

Conditions:
Catecholaminergic polymorphic ventricular tachycardia 1. Also called: RYR2-Related Catecholaminergic Polymorphic Ventricular Tachycardia; VENTRICULAR TACHYCARDIA, CATECHOLAMINERGIC POLYMORPHIC, 1, WITH OR WITHOUT ATRIAL DYSFUNCTION AND/OR DILATED CARDIOMYOPATHY; VENTRICULAR TACHYCARDIA, STRESS-INDUCED POLYMORPHIC 1. Identifiers: Orphanet 3286, MedGen C1631597, MONDO:0011484, OMIM 604772.

Submission:

Labcorp Genetics (formerly Invitae), Labcorp
Classification: Uncertain significance for Catecholaminergic polymorphic ventricular tachycardia 1. Last evaluated: 2018-10-23. Review status: criteria provided, single submitter. Criteria: Invitae Variant Classification Sherloc (09022015). Collection method: clinical testing. Allele origin: germline.
Comment: In summary, the available evidence is currently insufficient to determine the role of this variant in disease. Therefore, it has been classified as a Variant of Uncertain Significance. Experimental studies and prediction algorithms are not available for this variant, and the functional significance of the affected amino acid(s) is currently unknown. This variant has not been reported in the literature in individuals with RYR2-related disease. This variant is not present in population databases (ExAC no frequency). This sequence change results in a premature translational stop signal in the RYR2 gene (p.Gln4961*). While this is not anticipated to result in nonsense mediated decay, it is expected to disrupt the last 7 amino acids of the RYR2 protein.